The following is an entry in ClinVar:

NM_006767.4(LZTR1):c.199del (p.Arg67fs)

Gene: LZTR1 (leucine zipper like post translational regulator 1; plus strand). Cytogenetic location: 22q11.21.
Variant type: Deletion.
Coding change: c.199del on transcript NM_006767.4 (MANE Select); coding-DNA position 199, one base deleted (C; older notation c.199delC).
Protein change: p.Arg67fs; shifts the reading frame from arginine 67.
Molecular consequence: frameshift variant.
Genome position (GRCh38, 1-based): chr22:20,982,570, C deleted; the last of 3 consecutive C bases (chr22:20,982,568-20,982,570); deleting any one gives the same sequence. VCF-style (leftmost placement, unchanged base first): chr22-20982567-GC-G. GRCh37 (hg19) VCF-style: chr22-21336856-GC-G.
Other names: short protein forms R67fs.
Identifiers: ClinVar variation 3238186 (VCV003238186.1), dbSNP rs2518608034.

ClinVar aggregate classification (germline): Pathogenic (1 of 4 stars; one submission).

Conditions:
Hereditary cancer-predisposing syndrome. Also called: Neoplastic Syndromes, Hereditary; Tumor predisposition; Hereditary neoplastic syndrome; Hereditary Cancer Syndrome. Identifiers: Orphanet 140162, MedGen C0027672, MeSH D009386, MONDO:0015356.
Cardiovascular phenotype. Identifiers: MedGen CN230736.

Submission:

Ambry Genetics
Classification: Pathogenic for Cardiovascular phenotype; Hereditary cancer-predisposing syndrome. Last evaluated: 2023-05-01. Review status: criteria provided, single submitter. Criteria: Ambry Variant Classification Scheme 2023. Collection method: clinical testing. Allele origin: germline.
Comment: The c.199delC pathogenic mutation, located in coding exon 1 of the LZTR1 gene, results from a deletion of one nucleotide at nucleotide position 199, causing a translational frameshift with a predicted alternate stop codon (p.R67Gfs*34). This alteration is expected to result in loss of function by premature protein truncation or nonsense-mediated mRNA decay. Loss-of-function variants in LZTR1 are related to an increased risk for schwannomas and autosomal recessive Noonan syndrome; however, such associations with autosomal dominant Noonan syndrome have not been observed (Piotrowski A et al. Nat Genet. 2014 Feb;46:182-7; Yamamoto GL et al. J Med Genet. 2015 Jun;52:413-21; Johnston JJ et al. Genet Med. 2018 10;20:1175-1185). Based on the supporting evidence, this variant is pathogenic for an increased risk of LZTR1-related schwannomatosis (SWN) and would be expected to cause autosomal recessive Noonan syndrome when present along with a second pathogenic or likely pathogenic variant on the other allele; however, the association of this alteration with autosomal dominant Noonan syndrome is unlikely.